The following is an entry in ClinVar:

ClinVar aggregate classification (germline): Uncertain significance (1 of 4 stars; one submission).

Conditions:
Spastic ataxia 2. Also called: Ataxia, spastic, 2, autosomal recessive. Identifiers: Orphanet 397946, MedGen C1969796, MONDO:0012651, OMIM 611302.

Allele frequency attached by ClinVar (database versions not stated): gnomAD exomes below 0.00001; ExAC 0.00001; gnomAD 0.00001; TOPMed 0.00004.
gnomAD v4.1: 5 of 1,612,154 alleles (0.00031%); highest among the groups gnomAD compares: African/African-American, 0.0067%; no homozygotes.

Submission:

Labcorp Genetics (formerly Invitae), Labcorp
Classification: Uncertain significance for Spastic ataxia 2. Last evaluated: 2018-07-10. Review status: criteria provided, single submitter. Criteria: Invitae Variant Classification Sherloc (09022015). Collection method: clinical testing. Allele origin: germline.
Comment: This sequence change falls in intron 9 of the KIF1C gene. It does not directly change the encoded amino acid sequence of the KIF1C protein, but it affects a nucleotide within the consensus splice site of the intron. This variant is present in population databases (rs777181739, ExAC 0.01%). In summary, the available evidence is currently insufficient to determine the role of this variant in disease. Therefore, it has been classified as a Variant of Uncertain Significance. This variant has not been reported in the literature in individuals with KIF1C-related disease. Nucleotide substitutions within the consensus splice site are a relatively common cause of aberrant splicing (PMID: 17576681, 9536098). Algorithms developed to predict the effect of sequence changes on RNA splicing suggest that this variant may disrupt the consensus splice site, but this prediction has not been confirmed by published transcriptional studies.

Literature cited by the submitters: PubMed 17576681; PubMed 9536098.

NM_006612.6(KIF1C):c.798+3G>T

Genes: KIF1C (kinesin family member 1C; plus strand), LOC126862472 (CDK7 strongly-dependent group 2 enhancer GRCh37_chr17:4906716-4907915; plus strand). Cytogenetic location: 17p13.2.
Variant type: single nucleotide variant.
Coding change: c.798+3G>T on transcript NM_006612.6 (MANE Select); 3 bases into the intron after coding-DNA position 798, G replaced by T.
Molecular consequence: intron variant.
Genome position (GRCh38, 1-based): chr17:5,003,692, G>T. VCF-style: chr17-5003692-G-T. GRCh37 (hg19) VCF-style: chr17-4906987-G-T.
Identifiers: ClinVar variation 639076 (VCV000639076.7), dbSNP rs777181739, ClinGen allele CA8318731.
Genomic context (GRCh38, chr17:5,003,692, plus strand): 5'-GGACCTTGCTGGGAGTGAGCGAGCCGACTCCTCAGGGGCCCGGGGCATGCGCCTGAAGGT[G>T]AGGGGCCTTCAGAGGGTGGTTTGTTGTGGGGCAGTGTTGTGGGCTGTATGTGGAGGTCTC-3'